The following is an entry in ClinVar:

ClinVar aggregate classification (germline): Uncertain significance (1 of 4 stars; one submission).

Submission:

CeGaT Center for Human Genetics Tuebingen
Classification: Uncertain significance. Last evaluated: 2023-11-01. Review status: criteria provided, single submitter. Criteria: CeGaT Center For Human Genetics Tuebingen Variant Classification Criteria Version 2. Collection method: clinical testing. Allele origin: germline. Affected: yes. Observed: 1 variant allele.
Comment: CHAMP1: PM2

NM_032436.4(CHAMP1):c.1552G>C (p.Val518Leu)

Gene: CHAMP1 (chromosome alignment maintaining phosphoprotein 1; plus strand). Cytogenetic location: 13q34.
Variant type: single nucleotide variant.
Coding change: c.1552G>C on transcript NM_032436.4 (MANE Select); coding-DNA position 1552, G replaced by C.
Protein change: p.Val518Leu; replaces valine 518 with leucine.
Molecular consequence: missense variant.
Genome position (GRCh38, 1-based): chr13:114,325,394, G>C. VCF-style: chr13-114325394-G-C. GRCh37 (hg19) VCF-style: chr13-115090869-G-C.
Other names: c.1552G>C, p.Val518Leu (NM_001164144.3, NM_001164145.3); short protein forms V518L.
Identifiers: ClinVar variation 2672552 (VCV002672552.23), dbSNP rs2503202239, ClinGen allele CA388848915.